The following is an entry in ClinVar:

ClinVar aggregate classification (germline): Uncertain significance (1 of 4 stars; one submission).

Allele frequency attached by ClinVar (database versions not stated): gnomAD exomes 0.00001; ExAC 0.00002; gnomAD 0.00002; TOPMed 0.00002.
gnomAD v4.1: 11 of 1,614,098 alleles (0.00068%); highest among the groups gnomAD compares: African/African-American, 0.013%; no homozygotes.

Submission:

Labcorp Genetics (formerly Invitae), Labcorp
Classification: Uncertain significance. Last evaluated: 2022-08-22. Review status: criteria provided, single submitter. Criteria: Invitae Variant Classification Sherloc (09022015). Collection method: clinical testing. Allele origin: germline.
Comment: This sequence change replaces isoleucine, which is neutral and non-polar, with valine, which is neutral and non-polar, at codon 1333 of the SZT2 protein (p.Ile1333Val). This variant is present in population databases (rs753476359, gnomAD 0.02%). This variant has not been reported in the literature in individuals affected with SZT2-related conditions. ClinVar contains an entry for this variant (Variation ID: 1042921). Algorithms developed to predict the effect of missense changes on protein structure and function (SIFT, PolyPhen-2, Align-GVGD) all suggest that this variant is likely to be tolerated. In summary, the available evidence is currently insufficient to determine the role of this variant in disease. Therefore, it has been classified as a Variant of Uncertain Significance.

NM_001365999.1(SZT2):c.4168A>G (p.Ile1390Val)

Gene: SZT2 (SZT2 subunit of KICSTOR complex; plus strand). Cytogenetic location: 1p34.2.
Variant type: single nucleotide variant.
Coding change: c.4168A>G on transcript NM_001365999.1 (MANE Select); coding-DNA position 4168, A replaced by G.
Protein change: p.Ile1390Val; replaces isoleucine 1390 with valine.
Molecular consequence: missense variant.
Genome position (GRCh38, 1-based): chr1:43,429,704, A>G. VCF-style: chr1-43429704-A-G. GRCh37 (hg19) VCF-style: chr1-43895375-A-G.
Other names: c.3997A>G, p.Ile1333Val (NM_015284.4); short protein forms I1390V, I1333V.
Identifiers: ClinVar variation 1042921 (VCV001042921.6), dbSNP rs753476359, ClinGen allele CA809210.